The following is an entry in ClinVar:

ClinVar aggregate classification (germline): Uncertain significance (1 of 4 stars; one submission).

Conditions:
Focal segmental glomerulosclerosis 5 (FSGS5). Identifiers: Orphanet 656, MedGen C2750475, MONDO:0013191, OMIM 613237.
Charcot-Marie-Tooth disease dominant intermediate E. Also called: CHARCOT-MARIE-TOOTH NEUROPATHY WITH FOCAL SEGMENTAL GLOMERULONEPHRITIS. Identifiers: Orphanet 93114, MedGen C4302667, MONDO:0013758, OMIM 614455.

Allele frequency attached by ClinVar (database versions not stated): gnomAD 0.00001; TOPMed 0.00002.
gnomAD v4.1: 7 of 1,593,452 alleles (0.00044%); highest among the groups gnomAD compares: East Asian, 0.0023%; no homozygotes.

Submission:

Labcorp Genetics (formerly Invitae), Labcorp
Classification: Uncertain significance for Charcot-Marie-Tooth disease dominant intermediate E; Focal segmental glomerulosclerosis 5. Last evaluated: 2025-07-20. Review status: criteria provided, single submitter. Criteria: Invitae Variant Classification Sherloc (09022015). Collection method: clinical testing. Allele origin: germline.
Comment: This sequence change replaces arginine, which is basic and polar, with proline, which is neutral and non-polar, at codon 1221 of the INF2 protein (p.Arg1221Pro). This variant is not present in population databases (gnomAD no frequency). This variant has not been reported in the literature in individuals affected with INF2-related conditions. ClinVar contains an entry for this variant (Variation ID: 578645). Invitae Evidence Modeling of protein sequence and biophysical properties (such as structural, functional, and spatial information, amino acid conservation, physicochemical variation, residue mobility, and thermodynamic stability) indicates that this missense variant is not expected to disrupt INF2 protein function with a negative predictive value of 95%. In summary, the available evidence is currently insufficient to determine the role of this variant in disease. Therefore, it has been classified as a Variant of Uncertain Significance.

NM_022489.4(INF2):c.3662G>C (p.Arg1221Pro)

Gene: INF2 (inverted formin 2; plus strand). Cytogenetic location: 14q32.33.
Variant type: single nucleotide variant.
Coding change: c.3662G>C on transcript NM_022489.4 (MANE Select); coding-DNA position 3662, G replaced by C.
Protein change: p.Arg1221Pro; replaces arginine 1221 with proline.
Molecular consequence: missense variant.
Genome position (GRCh38, 1-based): chr14:104,714,824, G>C. VCF-style: chr14-104714824-G-C. GRCh37 (hg19) VCF-style: chr14-105181161-G-C.
Other names: c.3662G>C, p.Arg1221Pro (NM_001031714.4); short protein forms R1221P.
Identifiers: ClinVar variation 578645 (VCV000578645.8), dbSNP rs754128326, ClinGen allele CA267330994.
Genomic context (GRCh38, chr14:104,714,824, plus strand): 5'-CCTCGGGGTCGGGCACACTCCCCAGGGCCCGGGGCCGGGCCTCAAAGGGGACCGGGAAGC[G>C]AAGGAAGAAGCGTCCCTCCAGGAGCCAGGAAGGTAACTCAGGGAGGGGCCCCGGGCACCG-3'
Protein context (NP_071934.3, residues 1211-1231): RGRASKGTGK[Arg1221Pro]RKKRPSRSQE